The following is an entry in ClinVar:

NM_000334.4(SCN4A):c.4337T>A (p.Leu1446Gln)

Genes: GH-LCR (growth hormone locus control region; plus strand), SCN4A (sodium voltage-gated channel alpha subunit 4; minus strand). Cytogenetic location: 17q23.3.
Variant type: single nucleotide variant.
Coding change: c.4337T>A on transcript NM_000334.4 (MANE Select); coding-DNA position 4337, T replaced by A.
Protein change: p.Leu1446Gln; replaces leucine 1446 with glutamine.
Molecular consequence: missense variant.
Genome position (GRCh38, 1-based): chr17:63,941,945, A>T on the plus strand (T>A on the coding strand, the complement: SCN4A is on the minus strand). VCF-style: chr17-63941945-A-T. GRCh37 (hg19) VCF-style: chr17-62019305-A-T.
Other names: short protein forms L1446Q.
Identifiers: ClinVar variation 4851411 (VCV004851411.1).
Genomic context (GRCh38, chr17:63,941,945, plus strand): 5'-TTGGCCCCGCGGATCAGCCGCAGGACACGCCCAATCCGCGCCAGGCGGATCACACGGAAC[A>T]GCGTGGGTGACACGAAGTACTTCTGGATCAGGTCAGAGAGGGCAAGGCCTGCGGGGAGAA-3'
Protein context (NP_000325.4, residues 1436-1456): LIQKYFVSPT[Leu1446Gln]FRVIRLARIG

ClinVar aggregate classification (germline): Uncertain significance (1 of 4 stars; one submission).

Conditions:
Paramyotonia congenita of Von Eulenburg. Also called: Paramyotonia Congenita; PARALYSIS PERIODICA PARAMYOTONICA; Eulenburg disease; Myotonia congenita intermittens; Von Eulenburg paramyotonia congenita. Identifiers: Orphanet 684, MedGen C0221055, MONDO:0008195, OMIM 168300. Disease mechanism: loss of function.
Congenital myasthenic syndrome 16. Identifiers: Orphanet 590, MedGen C3280112, MONDO:0013620, OMIM 614198.

Submission:

Institute of Immunology and Genetics Kaiserslautern
Classification: Uncertain significance for Paramyotonia congenita of Von Eulenburg; Congenital myasthenic syndrome 16. Last evaluated: 2026-02-04. Review status: criteria provided, single submitter. Criteria: ACMG Guidelines, 2015. Collection method: clinical testing. Allele origin: germline. Affected: yes.
Comment: ACMG Criteria: PM1_P, PM2_P, PP3; Variant was found in heterozygous state.